The following is an entry in ClinVar:

NM_024675.4(PALB2):c.3136dup (p.Leu1046fs)

Gene: PALB2 (partner and localizer of BRCA2; minus strand). Cytogenetic location: 16p12.2.
Variant type: Duplication.
Coding change: c.3136dup on transcript NM_024675.4 (MANE Select); coding-DNA position 3136, one base duplicated (C; older notation c.3136dupC).
Protein change: p.Leu1046fs; shifts the reading frame from leucine 1046.
Molecular consequence: frameshift variant. On other transcripts: intron variant (3).
Genome position (GRCh38, 1-based): chr16:23,614,069, G duplicated on the plus strand (C on the coding strand, the reverse complement: PALB2 is on the minus strand); the first of 2 consecutive G bases (chr16:23,614,069-23,614,070); duplicating either gives the same sequence. VCF-style (leftmost placement, unchanged base first): chr16-23614068-A-AG. GRCh37 (hg19) VCF-style: chr16-23625389-A-AG.
Other names: c.3076dup, p.Leu1026fs (NM_001407296.1); c.3064dup, p.Leu1022fs (NM_001407297.1); c.2974dup, p.Leu992fs (NM_001407298.1, NM_001407302.1); c.2857dup, p.Leu953fs (NM_001407300.1); c.3136dup, p.Leu1046fs (NM_001407301.1); c.2251dup, p.Leu751fs (NM_001407304.1, NM_001407305.1, NM_001407306.1 and 2 more transcripts); c.2089dup, p.Leu697fs (NM_001407307.1); c.1348dup, p.Leu450fs (NM_001407312.1, NM_001407313.1); and 4 more; short protein forms L1022fs, L1026fs, L224fs, L992fs, L1046fs, L751fs, L450fs, L697fs.
Identifiers: ClinVar variation 4663611 (VCV004663611.1).

ClinVar aggregate classification (germline): Pathogenic (1 of 4 stars; one submission).

Conditions:
Hereditary cancer-predisposing syndrome. Also called: Neoplastic Syndromes, Hereditary; Tumor predisposition; Hereditary Cancer Syndrome; Hereditary neoplastic syndrome. Identifiers: Orphanet 140162, MedGen C0027672, MeSH D009386, MONDO:0015356.

Submission:

Ambry Genetics
Classification: Pathogenic for Hereditary cancer-predisposing syndrome. Last evaluated: 2025-09-24. Review status: criteria provided, single submitter. Criteria: Ambry Variant Classification Scheme 2023. Collection method: clinical testing. Allele origin: germline.
Comment: The c.3136dupC pathogenic mutation, located in coding exon 11 of the PALB2 gene, results from a duplication of C at nucleotide position 3136, causing a translational frameshift with a predicted alternate stop codon (p.L1046Pfs*7). This variant is considered to be rare based on population cohorts in the Genome Aggregation Database (gnomAD). This alteration is expected to result in loss of function by premature protein truncation or nonsense-mediated mRNA decay. As such, this alteration is interpreted as a disease-causing mutation.